The following is an entry in ClinVar:

NM_001042492.3(NF1):c.6680A>T (p.Asp2227Val)

Gene: NF1 (neurofibromin 1; plus strand). Cytogenetic location: 17q11.2.
Variant type: single nucleotide variant.
Coding change: c.6680A>T on transcript NM_001042492.3 (MANE Select); coding-DNA position 6680, A replaced by T.
Protein change: p.Asp2227Val; replaces aspartic acid 2227 with valine.
Molecular consequence: missense variant.
Genome position (GRCh38, 1-based): chr17:31,337,856, A>T. VCF-style: chr17-31337856-A-T. GRCh37 (hg19) VCF-style: chr17-29664874-A-T.
Other names: c.6617A>T, p.Asp2206Val (NM_000267.4); short protein forms D2227V, D2206V.
Identifiers: ClinVar variation 936229 (VCV000936229.6), dbSNP rs1485756462, ClinGen allele CA399013858.

ClinVar aggregate classification (germline): Uncertain significance (1 of 4 stars; one submission).

Conditions:
Neurofibromatosis, type 1 (NF1). Also called: Peripheral type neurofibromatosis; VON RECKLINGHAUSEN DISEASE; Neurofibromatosis, type I; NEUROFIBROMATOSIS, TYPE I, SOMATIC. Identifiers: Orphanet 636, MedGen C0027831, MONDO:0018975, OMIM 162200. Disease mechanism: loss of function.

Submission:

Labcorp Genetics (formerly Invitae), Labcorp
Classification: Uncertain significance for Neurofibromatosis, type 1. Last evaluated: 2024-12-03. Review status: criteria provided, single submitter. Criteria: Invitae Variant Classification Sherloc (09022015). Collection method: clinical testing. Allele origin: germline.
Comment: This sequence change replaces aspartic acid, which is acidic and polar, with valine, which is neutral and non-polar, at codon 2206 of the NF1 protein (p.Asp2206Val). This variant is not present in population databases (gnomAD no frequency). This variant has not been reported in the literature in individuals affected with NF1-related conditions. ClinVar contains an entry for this variant (Variation ID: 936229). Invitae Evidence Modeling of protein sequence and biophysical properties (such as structural, functional, and spatial information, amino acid conservation, physicochemical variation, residue mobility, and thermodynamic stability) indicates that this missense variant is expected to disrupt NF1 protein function with a positive predictive value of 95%. In summary, the available evidence is currently insufficient to determine the role of this variant in disease. Therefore, it has been classified as a Variant of Uncertain Significance.